The following is an entry in ClinVar:

ClinVar aggregate classification (germline): Conflicting classifications of pathogenicity. Review status: criteria provided, conflicting classifications (1 of 4 stars). 7 submissions from 6 submitters: Uncertain significance (3); Likely benign (4). Last evaluated 2026-01-19.

Conditions:
RYR1-related disorder. Also called: RYR1-related disorders; RYR1-related condition. Identifiers: MedGen CN239331.
Congenital multicore myopathy with external ophthalmoplegia (CMYO1B). Also called: MULTICORE MYOPATHY; MULTIMINICORE DISEASE WITH EXTERNAL OPHTHALMOPLEGIA; Minicore myopathy with external ophthalmoplegia; Congenital myopathy 1B, autosomal recessive; Minicore myopathy. Identifiers: Orphanet 598, Orphanet 98905, MedGen C1850674, MONDO:0009712, OMIM 255320, HP:0003789.
Malignant hyperthermia, susceptibility to, 1 (MHS1). Also called: Malignant hyperthermia suceptibility 1; Anesthesia related hyperthermia; Malignant hyperpyrexia; Fulminating hyperpyrexia; Pharmacogenic myopathy; RYR1-Related Malignant Hyperthermia Susceptibility. Identifiers: Orphanet 423, MedGen C2930980, MONDO:0007783, OMIM 145600.

Allele frequency attached by ClinVar (database versions not stated): TOPMed 0.00009; ESP Exome Variant Server 0.00023.
gnomAD v4.1: 328 of 1,611,554 alleles (0.02%); highest among the groups gnomAD compares: Non-Finnish European, 0.026%; no homozygotes.

Submissions (7):

Labcorp Genetics (formerly Invitae), Labcorp
Classification: Likely benign for RYR1-related disorder. Last evaluated: 2026-01-19. Review status: criteria provided, single submitter. Criteria: Invitae Variant Classification Sherloc (09022015). Collection method: clinical testing. Allele origin: germline.

Women's Health and Genetics/Laboratory Corporation of America, LabCorp
Classification: Likely benign. Last evaluated: 2026-01-17. Review status: criteria provided, single submitter. Criteria: LabCorp Variant Classification Summary - May 2015. Collection method: clinical testing. Allele origin: germline.

GeneDx
Classification: Uncertain significance. Last evaluated: 2025-06-05. Review status: criteria provided, single submitter. Criteria: GeneDx Variant Classification Process June 2021. Collection method: clinical testing. Allele origin: germline. Affected: yes.
Comment: In silico analysis suggests that this variant does not alter splicing; Has not been previously published as pathogenic or benign to our knowledge

Blueprint Genetics
Classification: Likely benign. Last evaluated: 2023-11-07. Review status: criteria provided, single submitter. Criteria: ACMG Guidelines, 2015. Collection method: clinical testing. Allele origin: germline.

Color Diagnostics, LLC DBA Color Health
Classification: Likely benign for Malignant hyperthermia, susceptibility to, 1. Last evaluated: 2022-11-06. Review status: criteria provided, single submitter. Criteria: ACMG Guidelines, 2015. Collection method: clinical testing. Allele origin: germline.

Illumina Laboratory Services, Illumina
Classification: Uncertain significance for Malignant hyperthermia, susceptibility to, 1. Last evaluated: 2018-01-13. Review status: criteria provided, single submitter. Criteria: ICSL Variant Classification Criteria 13 December 2019. Collection method: clinical testing. Allele origin: germline.

Illumina Laboratory Services, Illumina
Classification: Uncertain significance for Congenital multicore myopathy with external ophthalmoplegia. Last evaluated: 2018-01-13. Review status: criteria provided, single submitter. Criteria: ICSL Variant Classification Criteria 13 December 2019. Collection method: clinical testing. Allele origin: germline.

NM_000540.3(RYR1):c.7878G>C (p.Leu2626=)

Gene: RYR1 (ryanodine receptor 1; plus strand). Cytogenetic location: 19q13.2.
Variant type: single nucleotide variant.
Coding change: c.7878G>C on transcript NM_000540.3 (MANE Select); coding-DNA position 7878, G replaced by C.
Protein change: p.Leu2626=; no amino-acid change (leucine 2626 retained).
Molecular consequence: synonymous variant.
Genome position (GRCh38, 1-based): chr19:38,502,922, G>C. VCF-style: chr19-38502922-G-C. GRCh37 (hg19) VCF-style: chr19-38993562-G-C.
Other names: c.7878G>C, p.Leu2626= (NM_001042723.2).
Identifiers: ClinVar variation 699738 (VCV000699738.18), dbSNP rs148907377, ClinGen allele CA070963.